The following is an entry in ClinVar:

NM_001851.6(COL9A1):c.1748G>A (p.Gly583Asp)

Gene: COL9A1 (collagen type IX alpha 1 chain; minus strand). Cytogenetic location: 6q13.
Variant type: single nucleotide variant.
Coding change: c.1748G>A on transcript NM_001851.6 (MANE Select); coding-DNA position 1748, G replaced by A.
Protein change: p.Gly583Asp; replaces glycine 583 with aspartic acid.
Molecular consequence: missense variant. On other transcripts: non-coding transcript variant (1).
Genome position (GRCh38, 1-based): chr6:70,253,401, C>T on the plus strand (G>A on the coding strand, the complement: COL9A1 is on the minus strand). VCF-style: chr6-70253401-C-T. GRCh37 (hg19) VCF-style: chr6-70963104-C-T.
Other names: c.1049G>A, p.Gly350Asp (NM_001377289.1); c.1019G>A, p.Gly340Asp (NM_001377290.1, NM_078485.4); short protein forms G350D, G583D, G340D.
Identifiers: ClinVar variation 1506469 (VCV001506469.7), dbSNP rs765037928, ClinGen allele CA3882032.

ClinVar aggregate classification (germline): Uncertain significance (1 of 4 stars; one submission).

Allele frequency attached by ClinVar (database versions not stated): gnomAD exomes 0.00001; ExAC 0.00002; gnomAD 0.00003.
gnomAD v4.1: 8 of 1,605,138 alleles (0.0005%); highest among the groups gnomAD compares: African/African-American, 0.004%; no homozygotes.

Submission:

Labcorp Genetics (formerly Invitae), Labcorp
Classification: Uncertain significance. Last evaluated: 2022-10-04. Review status: criteria provided, single submitter. Criteria: Invitae Variant Classification Sherloc (09022015). Collection method: clinical testing. Allele origin: germline.
Comment: This variant is present in population databases (rs765037928, gnomAD 0.008%). In summary, the available evidence is currently insufficient to determine the role of this variant in disease. Therefore, it has been classified as a Variant of Uncertain Significance. Advanced modeling of protein sequence and biophysical properties (such as structural, functional, and spatial information, amino acid conservation, physicochemical variation, residue mobility, and thermodynamic stability) performed at Invitae indicates that this missense variant is not expected to disrupt COL9A1 protein function. ClinVar contains an entry for this variant (Variation ID: 1506469). This variant has not been reported in the literature in individuals affected with COL9A1-related conditions. This sequence change replaces glycine, which is neutral and non-polar, with aspartic acid, which is acidic and polar, at codon 583 of the COL9A1 protein (p.Gly583Asp).